The following is an entry in ClinVar:

NM_002103.5(GYS1):c.300+8G>A

Gene: GYS1 (glycogen synthase 1; minus strand). Cytogenetic location: 19q13.33.
Variant type: single nucleotide variant.
Coding change: c.300+8G>A on transcript NM_002103.5 (MANE Select); 8 bases into the intron after coding-DNA position 300, G replaced by A.
Molecular consequence: intron variant.
Genome position (GRCh38, 1-based): chr19:48,991,294, C>T on the plus strand (G>A on the coding strand, the complement: GYS1 is on the minus strand). VCF-style: chr19-48991294-C-T. GRCh37 (hg19) VCF-style: chr19-49494551-C-T.
Other names: p.?; c.300+8G>A (NM_001161587.2).
Identifiers: ClinVar variation 329827 (VCV000329827.51), dbSNP rs5454, ClinGen allele CA9563399.

ClinVar aggregate classification (germline): Benign/Likely benign. Review status: criteria provided, multiple submitters, no conflicts (2 of 4 stars). 7 submissions from 7 submitters: Benign (1); Likely benign (6). Last evaluated 2026-02-02.

Conditions:
Glycogen storage disease due to muscle and heart glycogen synthase deficiency. Also called: GSD 0b; MUSCLE GLYCOGEN SYNTHASE DEFICIENCY. Identifiers: Orphanet 137625, MedGen C1969054, MONDO:0012693, OMIM 611556.

Allele frequency attached by ClinVar (database versions not stated): 1000 Genomes Project 0.00040; 1000 Genomes Project 30x 0.00047; gnomAD exomes 0.00161; ExAC 0.00173; TOPMed 0.00173; gnomAD 0.00177 and 0.00187; ESP Exome Variant Server 0.00238.
gnomAD v4.1: 3,837 of 1,613,198 alleles (0.24%); highest among the groups gnomAD compares: Non-Finnish European, 0.3%; 5 homozygotes.

Submissions (7):

Labcorp Genetics (formerly Invitae), Labcorp
Classification: Benign for Glycogen storage disease due to muscle and heart glycogen synthase deficiency. Last evaluated: 2026-02-02. Review status: criteria provided, single submitter. Criteria: Invitae Variant Classification Sherloc (09022015). Collection method: clinical testing. Allele origin: germline.

Mayo Clinic Laboratories, Mayo Clinic
Classification: Likely benign. Last evaluated: 2025-09-03. Review status: criteria provided, single submitter. Criteria: ACMG Guidelines, 2015. Collection method: clinical testing. Allele origin: germline. Observed: 3 variant alleles.
Comment: BS1, BP4, BP7

CeGaT Center for Human Genetics Tuebingen
Classification: Likely benign. Last evaluated: 2025-07-01. Review status: criteria provided, single submitter. Criteria: CeGaT Center For Human Genetics Tuebingen Variant Classification Criteria Version 2. Collection method: clinical testing. Allele origin: germline. Affected: yes. Observed: 6 variant alleles.
Comment: GYS1: BP4, BS2

Blueprint Genetics
Classification: Likely benign. Last evaluated: 2024-11-21. Review status: criteria provided, single submitter. Criteria: ACMG Guidelines, 2015. Collection method: clinical testing. Allele origin: germline.

ARUP Laboratories, Molecular Genetics and Genomics, ARUP Laboratories
Classification: Likely benign for Glycogen storage disease due to muscle and heart glycogen synthase deficiency. Last evaluated: 2023-11-08. Review status: criteria provided, single submitter. Criteria: ARUP Molecular Germline Variant Investigation Process 2024. Collection method: clinical testing. Allele origin: germline.

Illumina Laboratory Services, Illumina
Classification: Likely benign for Glycogen storage disease due to muscle and heart glycogen synthase deficiency. Last evaluated: 2018-01-13. Review status: criteria provided, single submitter. Criteria: ICSL Variant Classification Criteria 13 December 2019. Collection method: clinical testing. Allele origin: germline.
Comment: This variant was observed in the ICSL laboratory as part of a predisposition screen in an ostensibly healthy population. It had not been previously curated by ICSL or reported in the Human Gene Mutation Database (HGMD: prior to June 1st, 2018), and was therefore a candidate for classification through an automated scoring system. Utilizing variant allele frequency, disease prevalence and penetrance estimates, and inheritance mode, an automated score was calculated to assess if this variant is too frequent to cause the disease. Based on the score and internal cut-off values, a variant classified as likely benign is not then subjected to further curation. The score for this variant resulted in a classification of likely benign for this disease.

GeneDx
Classification: Likely benign. Last evaluated: 2017-07-20. Review status: criteria provided, single submitter. Criteria: GeneDx Variant Classification (06012015). Collection method: clinical testing. Allele origin: germline. Affected: yes.
Comment: This variant is considered likely benign or benign based on one or more of the following criteria: it is a conservative change, it occurs at a poorly conserved position in the protein, it is predicted to be benign by multiple in silico algorithms, and/or has population frequency not consistent with disease.